The following is an entry in ClinVar:

ClinVar aggregate classification (germline): Uncertain significance (1 of 4 stars; one submission).

Conditions:
Purine-nucleoside phosphorylase deficiency. Also called: Immunodeficiency due to purine nucleoside phosphorylase deficiency; NUCLEOSIDE PHOSPHORYLASE DEFICIENCY. Identifiers: Orphanet 760, MedGen C0268125, MONDO:0013171, OMIM 613179.

Submission:

Labcorp Genetics (formerly Invitae), Labcorp
Classification: Uncertain significance for Purine-nucleoside phosphorylase deficiency. Last evaluated: 2024-10-25. Review status: criteria provided, single submitter. Criteria: Invitae Variant Classification Sherloc (09022015). Collection method: clinical testing. Allele origin: germline.
Comment: This sequence change replaces phenylalanine, which is neutral and non-polar, with tyrosine, which is neutral and polar, at codon 159 of the PNP protein (p.Phe159Tyr). This variant is not present in population databases (gnomAD no frequency). This variant has not been reported in the literature in individuals affected with PNP-related conditions. ClinVar contains an entry for this variant (Variation ID: 854693). Invitae Evidence Modeling of protein sequence and biophysical properties (such as structural, functional, and spatial information, amino acid conservation, physicochemical variation, residue mobility, and thermodynamic stability) indicates that this missense variant is expected to disrupt PNP protein function with a positive predictive value of 80%. In summary, the available evidence is currently insufficient to determine the role of this variant in disease. Therefore, it has been classified as a Variant of Uncertain Significance.

NM_000270.4(PNP):c.476T>A (p.Phe159Tyr)

Gene: PNP (purine nucleoside phosphorylase; plus strand). Cytogenetic location: 14q11.2.
Variant type: single nucleotide variant.
Coding change: c.476T>A on transcript NM_000270.4 (MANE Select); coding-DNA position 476, T replaced by A.
Protein change: p.Phe159Tyr; replaces phenylalanine 159 with tyrosine.
Molecular consequence: missense variant.
Genome position (GRCh38, 1-based): chr14:20,475,076, T>A. VCF-style: chr14-20475076-T-A. GRCh37 (hg19) VCF-style: chr14-20943235-T-A.
Other names: short protein forms F159Y.
Identifiers: ClinVar variation 854693 (VCV000854693.5), dbSNP rs1422294415, ClinGen allele CA389145486.